The following is an entry in ClinVar:

ClinVar aggregate classification (germline): Uncertain significance. Review status: criteria provided, multiple submitters, no conflicts (2 of 4 stars). 2 submissions from 2 submitters: Uncertain significance (2). Last evaluated 2025-05-20.

Conditions:
LRRC45-related disorder. Also called: LRRC45-related condition.

gnomAD v4.1: 5 of 1,598,654 alleles (0.00031%); highest among the groups gnomAD compares: African/African-American, 0.0067%; no homozygotes.

Submissions (2):

Ambry Genetics
Classification: Uncertain significance. Last evaluated: 2025-05-20. Review status: criteria provided, single submitter. Criteria: Ambry Variant Classification Scheme 2023. Collection method: clinical testing. Allele origin: germline.

PreventionGenetics, part of Exact Sciences
Classification: Uncertain significance for LRRC45-related condition. Last evaluated: 2025-04-16. Review status: criteria provided, single submitter. Criteria: ACMG Guidelines, 2015. Collection method: clinical testing. Allele origin: germline.
Comment: The LRRC45 c.518C>T variant is predicted to result in the amino acid substitution p.Thr173Ile. To our knowledge, this variant has not been reported in the literature. This variant is reported in 0.0084% of alleles in individuals of African descent in gnomAD. At this time, the clinical significance of this variant is uncertain due to the absence of conclusive functional and genetic evidence.

NM_144999.4(LRRC45):c.518C>T (p.Thr173Ile)

Gene: LRRC45 (leucine rich repeat containing 45; plus strand). Cytogenetic location: 17q25.3.
Variant type: single nucleotide variant.
Coding change: c.518C>T on transcript NM_144999.4 (MANE Select); coding-DNA position 518, C replaced by T.
Protein change: p.Thr173Ile; replaces threonine 173 with isoleucine.
Molecular consequence: missense variant.
Genome position (GRCh38, 1-based): chr17:82,025,164, C>T. VCF-style: chr17-82025164-C-T. GRCh37 (hg19) VCF-style: chr17-79983040-C-T.
Other names: c.518C>T (NM_144999.3); short protein forms T173I.
Identifiers: ClinVar variation 4049175 (VCV004049175.2).
Genomic context (GRCh38, chr17:82,025,164, plus strand): 5'-ACAACCAGATCAGTCACAAGGGCGCGGAGGAGCTGGCCCTAGCCCTGAAGGGCAACACCA[C>T]CCTCCAGCAGCTGGGTGAGGCCTCCCAGGCGCCCTCAGGCTCCCTCATCCCTCTGAGGCT-3'
Protein context (NP_659436.1, residues 163-183): ELALALKGNT[Thr173Ile]LQQLDLRWNN